The following is an entry in ClinVar:

ClinVar aggregate classification (germline): Uncertain significance. Review status: criteria provided, multiple submitters, no conflicts (2 of 4 stars). 2 submissions from 2 submitters: Uncertain significance (2). Last evaluated 2025-11-03.

Conditions:
Inborn genetic diseases. Identifiers: MedGen C0950123, MeSH D030342.
Mosaic variegated aneuploidy syndrome 1 (MVA1). Also called: Warburton-Anyane-Yeboa syndrome. Identifiers: Orphanet 1052, MedGen C1850343, MONDO:0009759, OMIM 257300.

Allele frequency attached by ClinVar (database versions not stated): TOPMed below 0.00001; gnomAD exomes 0.00001.

Submissions (2):

Ambry Genetics
Classification: Uncertain significance for Inborn genetic diseases. Last evaluated: 2025-11-03. Review status: criteria provided, single submitter. Criteria: Ambry Variant Classification Scheme 2023. Collection method: clinical testing. Allele origin: germline.
Comment: The p.V870M variant (also known as c.2608G>A), located in coding exon 20 of the BUB1B gene, results from a G to A substitution at nucleotide position 2608. The valine at codon 870 is replaced by methionine, an amino acid with highly similar properties. This amino acid position is conserved. In addition, the in silico prediction for this alteration is inconclusive. Since supporting evidence is limited at this time, the clinical significance of this alteration remains unclear.

Labcorp Genetics (formerly Invitae), Labcorp
Classification: Uncertain significance for Mosaic variegated aneuploidy syndrome 1. Last evaluated: 2021-10-02. Review status: criteria provided, single submitter. Criteria: Invitae Variant Classification Sherloc (09022015). Collection method: clinical testing. Allele origin: germline.
Comment: In summary, the available evidence is currently insufficient to determine the role of this variant in disease. Therefore, it has been classified as a Variant of Uncertain Significance. Algorithms developed to predict the effect of missense changes on protein structure and function output the following: SIFT: "Deleterious"; PolyPhen-2: "Possibly Damaging"; Align-GVGD: "Class C0". The methionine amino acid residue is found in multiple mammalian species, which suggests that this missense change does not adversely affect protein function. This variant has not been reported in the literature in individuals affected with BUB1B-related conditions. This variant is not present in population databases (ExAC no frequency). This sequence change replaces valine with methionine at codon 870 of the BUB1B protein (p.Val870Met). The valine residue is highly conserved and there is a small physicochemical difference between valine and methionine.

NM_001211.6(BUB1B):c.2608G>A (p.Val870Met)

Gene: BUB1B (BUB1 mitotic checkpoint serine/threonine kinase B; plus strand). Cytogenetic location: 15q15.1.
Variant type: single nucleotide variant.
Coding change: c.2608G>A on transcript NM_001211.6 (MANE Select); coding-DNA position 2608, G replaced by A.
Protein change: p.Val870Met; replaces valine 870 with methionine.
Molecular consequence: missense variant.
Genome position (GRCh38, 1-based): chr15:40,213,404, G>A. VCF-style: chr15-40213404-G-A. GRCh37 (hg19) VCF-style: chr15-40505605-G-A.
Other names: short protein forms V870M.
Identifiers: ClinVar variation 851221 (VCV000851221.12), dbSNP rs1360702866, ClinGen allele CA391686264.